The following is an entry in ClinVar:

ClinVar aggregate classification (germline): Uncertain significance (1 of 4 stars; one submission).

Allele frequency attached by ClinVar (database versions not stated): ExAC 0.00002; gnomAD 0.00003; TOPMed 0.00005; ESP Exome Variant Server 0.00008.
gnomAD v4.1: 60 of 1,602,766 alleles (0.0037%); highest among the groups gnomAD compares: African/African-American, 0.0067%; no homozygotes.

Submission:

Labcorp Genetics (formerly Invitae), Labcorp
Classification: Uncertain significance. Last evaluated: 2025-03-25. Review status: criteria provided, single submitter. Criteria: Invitae Variant Classification Sherloc (09022015). Collection method: clinical testing. Allele origin: germline.
Comment: This sequence change replaces glutamic acid, which is acidic and polar, with aspartic acid, which is acidic and polar, at codon 503 of the TCF3 protein (p.Glu503Asp). This variant is present in population databases (rs367884556, gnomAD 0.02%). This variant has not been reported in the literature in individuals affected with TCF3-related conditions. ClinVar contains an entry for this variant (Variation ID: 2082631). Invitae Evidence Modeling of protein sequence and biophysical properties (such as structural, functional, and spatial information, amino acid conservation, physicochemical variation, residue mobility, and thermodynamic stability) indicates that this missense variant is not expected to disrupt TCF3 protein function with a negative predictive value of 80%. In summary, the available evidence is currently insufficient to determine the role of this variant in disease. Therefore, it has been classified as a Variant of Uncertain Significance.

NM_003200.5(TCF3):c.1509G>C (p.Glu503Asp)

Gene: TCF3 (transcription factor 3; minus strand). Cytogenetic location: 19p13.3.
Variant type: single nucleotide variant.
Coding change: c.1509G>C on transcript NM_003200.5 (MANE Select); coding-DNA position 1509, G replaced by C.
Protein change: p.Glu503Asp; replaces glutamic acid 503 with aspartic acid.
Molecular consequence: missense variant.
Genome position (GRCh38, 1-based): chr19:1,615,763, C>G on the plus strand (G>C on the coding strand, the complement: TCF3 is on the minus strand). VCF-style: chr19-1615763-C-G. GRCh37 (hg19) VCF-style: chr19-1615762-C-G.
Other names: c.1509G>C, p.Glu503Asp (NM_001136139.4, NM_001351779.2); c.1506G>C, p.Glu502Asp (NM_001351778.2); short protein forms E502D, E503D.
Identifiers: ClinVar variation 2082631 (VCV002082631.4), dbSNP rs367884556, ClinGen allele CA9049790.
Genomic context (GRCh38, chr19:1,615,763, plus strand): 5'-GGCCTTCAGCTCCTTCTTCTCCTCCTCCGAGTGGTCAGCCGCTGACGTGTTCTCCTCGTC[C>G]TCCTTCTCCTCCCGCTTGATCTCGCTGGCGGCCGCCGTGGCACCTGCTCGCCCTAGCCCT-3'
Protein context (NP_003191.1, residues 493-513): AASEIKREEK[Glu503Asp]DEENTSAADH